The following is an entry in ClinVar:

ClinVar aggregate classification (germline): Likely benign (1 of 4 stars; one submission).

Conditions:
HLCS-related disorder. Also called: HLCS-related condition.

gnomAD v4.1: 98 of 979,784 alleles (0.01%); highest among the groups gnomAD compares: African/African-American, 0.16%; no homozygotes.

Submission:

PreventionGenetics, part of Exact Sciences
Classification: Likely benign for HLCS-related condition. Last evaluated: 2025-07-09. Review status: criteria provided, single submitter. Criteria: ACMG Guidelines, 2015. Collection method: clinical testing. Allele origin: germline.
Comment: This variant is classified as likely benign based on ACMG/AMP sequence variant interpretation guidelines (Richards et al. 2015 PMID: 25741868, with internal and published modifications).

NM_001352514.2(HLCS):c.-4G>C

Genes: HLCS (holocarboxylase synthetase; minus strand), HLCS-AS1 (HLCS antisense RNA 1; plus strand), LOC130066637 (ATAC-STARR-seq lymphoblastoid silent region 13291; plus strand). Cytogenetic location: 21q22.13.
Variant type: single nucleotide variant.
Coding change: c.-4G>C on transcript NM_001352514.2 (MANE Select); 4 bases upstream of the start codon, G replaced by C.
Molecular consequence: 5 prime UTR variant. On other transcripts: intron variant (5).
Genome position (GRCh38, 1-based): chr21:36,966,642, C>G on the plus strand (G>C on the coding strand, the complement: HLCS is on the minus strand). VCF-style: chr21-36966642-C-G. GRCh37 (hg19) VCF-style: chr21-38338942-C-G.
Other names: c.-1400G>C (NM_001242784.3); c.-246-4472G>C (NM_001352517.1, NM_001352515.2, NM_001352516.2); c.-392-4472G>C (NM_001242785.2, NM_000411.8).
Identifiers: ClinVar variation 4979464 (VCV004979464.1).
Genomic context (GRCh38, chr21:36,966,642, plus strand): 5'-AGCCGGCCGGCGACCCCAGCGCGCCCACAGGTACAGGTAGCACAGCGTGATGAGCATGGC[C>G]GCGCCGCCGGCAGGGCGAGCCCGCCTTGCCCGCCCGCCCCAGCGCCCCAGGCCCGGCCCC-3'